The following is an entry in ClinVar:

ClinVar aggregate classification (germline): Uncertain significance (1 of 4 stars; one submission).

Submission:

GeneDx
Classification: Uncertain significance. Last evaluated: 2025-01-14. Review status: criteria provided, single submitter. Criteria: GeneDx Variant Classification Process June 2021. Collection method: clinical testing. Allele origin: germline. Affected: yes.
Comment: Published functional studies demonstrate that the variant does not significantly alter voltage gating properties (PMID: 36385166); In silico analysis supports that this missense variant has a deleterious effect on protein structure/function; Not observed at significant frequency in large population cohorts (gnomAD); This variant is associated with the following publications: (PMID: 36385166)

NM_001830.4(CLCN4):c.1862A>G (p.Asp621Gly)

Gene: CLCN4 (chloride voltage-gated channel 4; plus strand). Cytogenetic location: Xp22.2.
Variant type: single nucleotide variant.
Coding change: c.1862A>G on transcript NM_001830.4 (MANE Select); coding-DNA position 1862, A replaced by G.
Protein change: p.Asp621Gly; replaces aspartic acid 621 with glycine.
Molecular consequence: missense variant.
Genome position (GRCh38, 1-based): chrX:10,213,966, A>G. VCF-style: chrX-10213966-A-G. GRCh37 (hg19) VCF-style: chrX-10182006-A-G.
Other names: c.1580A>G, p.Asp527Gly (NM_001256944.2); short protein forms D621G, D527G.
Identifiers: ClinVar variation 452007 (VCV000452007.4), dbSNP rs1555977214, ClinGen allele CA412042851.
Genomic context (GRCh38, chrX:10,213,966, plus strand): 5'-GGCCCCGGCGGGGAGAGCCGCCACTGTCGGTGCTCACCCAGGACAGCATGACTGTCGAGG[A>G]CGTGGAGACGCTCATCAAGGAGACCGACTACAACGGCTTCCCCGTGGTGGTCTCCAGAGA-3'
Protein context (NP_001821.2, residues 611-631): VLTQDSMTVE[Asp621Gly]VETLIKETDY